The following is an entry in ClinVar:

NM_171998.4(RAB39B):c.514T>G (p.Tyr172Asp)

Gene: RAB39B (RAB39B, member RAS oncogene family; minus strand). Cytogenetic location: Xq28.
Variant type: single nucleotide variant.
Coding change: c.514T>G on transcript NM_171998.4 (MANE Select); coding-DNA position 514, T replaced by G.
Protein change: p.Tyr172Asp; replaces tyrosine 172 with aspartic acid.
Molecular consequence: missense variant.
Genome position (GRCh38, 1-based): chrX:155,260,931, A>C on the plus strand (T>G on the coding strand, the complement: RAB39B is on the minus strand). VCF-style: chrX-155260931-A-C. GRCh37 (hg19) VCF-style: chrX-154490216-A-C.
Other names: short protein forms Y172D.
Identifiers: ClinVar variation 3359304 (VCV003359304.1).

ClinVar aggregate classification (germline): Uncertain significance (1 of 4 stars; one submission).

Submission:

GeneDx
Classification: Uncertain significance. Last evaluated: 2023-05-31. Review status: criteria provided, single submitter. Criteria: GeneDx Variant Classification Process June 2021. Collection method: clinical testing. Allele origin: germline. Affected: yes.
Comment: Not observed at significant frequency in large population cohorts (gnomAD); In silico analysis supports that this missense variant has a deleterious effect on protein structure/function; Has not been previously published as pathogenic or benign to our knowledge